The following is an entry in ClinVar:

NM_015681.6(B9D1):c.404+115_404+118del

Gene: B9D1 (B9 domain containing 1; minus strand). Cytogenetic location: 17p11.2.
Variant type: Deletion.
Coding change: c.404+115_404+118del on transcript NM_015681.6 (MANE Select); bases 115 to 118 of the intron after coding-DNA position 404, 4 bases deleted (CACT; older notation c.404+115_404+118delCACT).
Molecular consequence: intron variant. On other transcripts: frameshift variant (1).
Genome position (GRCh38, 1-based): chr17:19,347,151-19,347,154, AGTG deleted on the plus strand (CACT on the coding strand, the reverse complement: B9D1 is on the minus strand). VCF-style (leftmost placement, unchanged base first): chr17-19347150-CAGTG-C. GRCh37 (hg19) VCF-style: chr17-19250463-CAGTG-C.
Other names: c.447_450del, p.Thr150fs (NM_001321216.2); c.44+115_44+118del (NM_001368769.2); c.404+115_404+118del (NM_001321219.2, NM_001321218.2, NM_001321217.2 and 3 more transcripts); short protein forms T150fs.
Identifiers: ClinVar variation 4980777 (VCV004980777.1).

ClinVar aggregate classification (germline): Uncertain significance (1 of 4 stars; one submission).

Conditions:
B9D1-related disorder. Also called: B9D1-related condition; B9D1-related disorders.

Submission:

PreventionGenetics, part of Exact Sciences
Classification: Uncertain significance for B9D1-related condition. Last evaluated: 2026-07-06. Review status: criteria provided, single submitter. Criteria: ACMG Guidelines, 2015. Collection method: clinical testing. Allele origin: germline.
Comment: The B9D1 c.447_450delCACT variant is predicted to result in a frameshift and premature protein termination (p.Thr150Argfs*40). This variant is intronic in an alternative transcript NM_015681:c.404+115_404+118delCACT. To our knowledge, this variant has not been reported in the literature. This variant is reported in 0.017% of alleles in individuals of East Asian descent in gnomAD. Although we suspect that this variant may be pathogenic, at this time, the clinical significance of this variant is uncertain due to the absence of conclusive functional and genetic evidence.